The following is an entry in ClinVar:

ClinVar aggregate classification (germline): Uncertain significance (1 of 4 stars; one submission).

Allele frequency attached by ClinVar (database versions not stated): TOPMed below 0.00001; gnomAD 0.00001.
gnomAD v4.1: 1 of 1,614,018 alleles (0.000062%); highest among the groups gnomAD compares: African/African-American, 0.0013%; no homozygotes.

Submission:

GeneDx
Classification: Uncertain significance. Last evaluated: 2022-05-06. Review status: criteria provided, single submitter. Criteria: GeneDx Variant Classification Process June 2021. Collection method: clinical testing. Allele origin: germline. Affected: yes.
Comment: Not observed at significant frequency in large population cohorts (gnomAD); In silico analysis supports that this missense variant has a deleterious effect on protein structure/function; Has not been previously published as pathogenic or benign to our knowledge

NM_000812.4(GABRB1):c.842C>T (p.Thr281Met)

Gene: GABRB1 (gamma-aminobutyric acid type A receptor subunit beta1; plus strand). Cytogenetic location: 4p12.
Variant type: single nucleotide variant.
Coding change: c.842C>T on transcript NM_000812.4 (MANE Select); coding-DNA position 842, C replaced by T.
Protein change: p.Thr281Met; replaces threonine 281 with methionine.
Molecular consequence: missense variant.
Genome position (GRCh38, 1-based): chr4:47,406,688, C>T. VCF-style: chr4-47406688-C-T. GRCh37 (hg19) VCF-style: chr4-47408705-C-T.
Other names: short protein forms T281M.
Identifiers: ClinVar variation 1722849 (VCV001722849.2), dbSNP rs1415196734, ClinGen allele CA356811215.